The following is an entry in ClinVar:

NM_020937.4(FANCM):c.4951G>C (p.Glu1651Gln)

Gene: FANCM (FA complementation group M; plus strand). Cytogenetic location: 14q21.2.
Variant type: single nucleotide variant.
Coding change: c.4951G>C on transcript NM_020937.4 (MANE Select); coding-DNA position 4951, G replaced by C.
Protein change: p.Glu1651Gln; replaces glutamic acid 1651 with glutamine.
Molecular consequence: missense variant.
Genome position (GRCh38, 1-based): chr14:45,188,973, G>C. VCF-style: chr14-45188973-G-C. GRCh37 (hg19) VCF-style: chr14-45658176-G-C.
Other names: c.4873G>C, p.Glu1625Gln (NM_001308133.2); short protein forms E1625Q, E1651Q.
Identifiers: ClinVar variation 961617 (VCV000961617.8), dbSNP rs752279370, ClinGen allele CA389611678.

ClinVar aggregate classification (germline): Uncertain significance (1 of 4 stars; one submission).

Conditions:
Fanconi anemia (FA). Also called: Fanconi's anemia. Identifiers: Orphanet 84, MedGen C0015625, MeSH D005199, MONDO:0019391.

Submission:

Labcorp Genetics (formerly Invitae), Labcorp
Classification: Uncertain significance for Fanconi anemia. Last evaluated: 2021-12-09. Review status: criteria provided, single submitter. Criteria: Invitae Variant Classification Sherloc (09022015). Collection method: clinical testing. Allele origin: germline.
Comment: This sequence change replaces glutamic acid, which is acidic and polar, with glutamine, which is neutral and polar, at codon 1651 of the FANCM protein (p.Glu1651Gln). This variant is not present in population databases (gnomAD no frequency). This variant has not been reported in the literature in individuals affected with FANCM-related conditions. ClinVar contains an entry for this variant (Variation ID: 961617). Algorithms developed to predict the effect of missense changes on protein structure and function output the following: SIFT: "Tolerated"; PolyPhen-2: "Benign"; Align-GVGD: "Class C0". The glutamine amino acid residue is found in multiple mammalian species, which suggests that this missense change does not adversely affect protein function. In summary, the available evidence is currently insufficient to determine the role of this variant in disease. Therefore, it has been classified as a Variant of Uncertain Significance.